The following is an entry in ClinVar:

ClinVar aggregate classification (germline): Pathogenic (1 of 4 stars; one submission).

Conditions:
Early-infantile DEE. Also called: Early infantile epileptic encephalopathy; Ohtahara syndrome; Early infantile epileptic encephalopathy with suppression bursts. Identifiers: Orphanet 1934, MedGen C0393706, MONDO:0800491.

Submission:

Labcorp Genetics (formerly Invitae), Labcorp
Classification: Pathogenic for Early-infantile DEE. Last evaluated: 2022-03-22. Review status: criteria provided, single submitter. Criteria: Invitae Variant Classification Sherloc (09022015). Collection method: clinical testing. Allele origin: germline.
Comment: This variant is not present in population databases (gnomAD no frequency). This sequence change replaces leucine, which is neutral and non-polar, with arginine, which is basic and polar, at codon 1717 of the SCN1A protein (p.Leu1717Arg). For these reasons, this variant has been classified as Pathogenic. Advanced modeling of protein sequence and biophysical properties (such as structural, functional, and spatial information, amino acid conservation, physicochemical variation, residue mobility, and thermodynamic stability) performed at Invitae indicates that this missense variant is expected to disrupt SCN1A protein function. This missense change has been observed in individual(s) with clinical features of SCN1A-related conditions (Invitae). In at least one individual the variant was observed to be de novo.

NM_001165963.4(SCN1A):c.5150T>G (p.Leu1717Arg)

Genes: SCN1A (sodium voltage-gated channel alpha subunit 1; minus strand), LOC102724058 (uncharacterized LOC102724058; plus strand). Cytogenetic location: 2q24.3.
Variant type: single nucleotide variant.
Coding change: c.5150T>G on transcript NM_001165963.4 (MANE Select); coding-DNA position 5150, T replaced by G.
Protein change: p.Leu1717Arg; replaces leucine 1717 with arginine.
Molecular consequence: missense variant. On other transcripts: non-coding transcript variant (1).
Genome position (GRCh38, 1-based): chr2:165,992,125, A>C on the plus strand (T>G on the coding strand, the complement: SCN1A is on the minus strand). VCF-style: chr2-165992125-A-C. GRCh37 (hg19) VCF-style: chr2-166848635-A-C.
Other names: c.5114T>G, p.Leu1705Arg (NM_001353955.2, NM_001353954.2); c.5066T>G, p.Leu1689Arg (NM_001353957.2, NM_001353958.2, NM_001165964.3); c.5063T>G, p.Leu1688Arg (NM_001353960.2); c.2708T>G, p.Leu903Arg (NM_001353961.2); c.5117T>G, p.Leu1706Arg (NM_006920.6, NM_001353949.2, NM_001353950.2 and 2 more transcripts); c.5150T>G, p.Leu1717Arg (NM_001202435.3, NM_001353948.2); short protein forms L1688R, L1706R, L1717R, L1689R, L1705R, L903R.
Identifiers: ClinVar variation 2043430 (VCV002043430.4), dbSNP rs2468336729, ClinGen allele CA349068910.